The following is an entry in ClinVar:

ClinVar aggregate classification (germline): Uncertain significance. Review status: criteria provided, multiple submitters, no conflicts (2 of 4 stars). 2 submissions from 2 submitters: Uncertain significance (2). Last evaluated 2024-04-24.

Conditions:
Hypogonadotropic hypogonadism 5 with or without anosmia (KAL5). Also called: HYPOGONADOTROPIC HYPOGONADISM 5 WITH ANOSMIA; HYPOGONADOTROPHIC HYPOGONADISM 5 WITHOUT ANOSMIA; CHD7-Related GnRH Deficiency (Kallmann Syndrome 5). Identifiers: Orphanet 478, MedGen C3552553, MONDO:0012880, OMIM 612370. Disease mechanism: loss of function.
CHARGE syndrome (CHARGE). Also called: Hittner Hirsch Kreh syndrome; CHARGE ASSOCIATION--COLOBOMA, HEART ANOMALY, CHOANAL ATRESIA, RETARDATION, GENITAL AND EAR ANOMALIES; Coloboma, heart anomaly, choanal atresia, retardation, genital and ear anomalies; CHARGE association; Hall-Hittner syndrome. Identifiers: Orphanet 138, MedGen C0265354, MONDO:0008965.

Allele frequency attached by ClinVar (database versions not stated): TOPMed below 0.00001.
gnomAD v4.1: 6 of 1,613,778 alleles (0.00037%); highest among the groups gnomAD compares: Non-Finnish European, 0.00051%; no homozygotes.

Submissions (2):

Fulgent Genetics
Classification: Uncertain significance for CHD7-related CHARGE syndrome; Hypogonadotropic hypogonadism 5 with or without anosmia. Last evaluated: 2024-04-24. Review status: criteria provided, single submitter. Criteria: ACMG Guidelines, 2015. Collection method: clinical testing. Allele origin: germline.

Labcorp Genetics (formerly Invitae), Labcorp
Classification: Uncertain significance for CHARGE syndrome. Last evaluated: 2023-03-02. Review status: criteria provided, single submitter. Criteria: Invitae Variant Classification Sherloc (09022015). Collection method: clinical testing. Allele origin: germline.
Comment: This sequence change replaces arginine, which is basic and polar, with cysteine, which is neutral and slightly polar, at codon 1976 of the CHD7 protein (p.Arg1976Cys). This variant is not present in population databases (gnomAD no frequency). This variant has not been reported in the literature in individuals affected with CHD7-related conditions. Advanced modeling of protein sequence and biophysical properties (such as structural, functional, and spatial information, amino acid conservation, physicochemical variation, residue mobility, and thermodynamic stability) performed at Invitae indicates that this missense variant is expected to disrupt CHD7 protein function. In summary, the available evidence is currently insufficient to determine the role of this variant in disease. Therefore, it has been classified as a Variant of Uncertain Significance.

NM_017780.4(CHD7):c.5926C>T (p.Arg1976Cys)

Gene: CHD7 (chromodomain helicase DNA binding protein 7; plus strand). Cytogenetic location: 8q12.2.
Variant type: single nucleotide variant.
Coding change: c.5926C>T on transcript NM_017780.4 (MANE Select); coding-DNA position 5926, C replaced by T.
Protein change: p.Arg1976Cys; replaces arginine 1976 with cysteine.
Molecular consequence: missense variant. On other transcripts: intron variant (1).
Genome position (GRCh38, 1-based): chr8:60,852,529, C>T. VCF-style: chr8-60852529-C-T. GRCh37 (hg19) VCF-style: chr8-61765088-C-T.
Other names: c.1717-9700C>T (NM_001316690.1); short protein forms R1976C.
Identifiers: ClinVar variation 2977879 (VCV002977879.4), dbSNP rs1805500715, ClinGen allele CA371323724.